The following is an entry in ClinVar:

ClinVar aggregate classification (germline): Uncertain significance (1 of 4 stars; one submission).

Conditions:
Bloom syndrome (BLM). Also called: Bloom-Torre-Machacek syndrome. Identifiers: Orphanet 125, MedGen C0005859, MONDO:0008876, OMIM 210900.

Submission:

Labcorp Genetics (formerly Invitae), Labcorp
Classification: Uncertain significance for Bloom syndrome. Last evaluated: 2026-01-06. Review status: criteria provided, single submitter. Criteria: Invitae Variant Classification Sherloc (09022015). Collection method: clinical testing. Allele origin: germline.
Comment: This sequence change replaces alanine, which is neutral and non-polar, with glutamic acid, which is acidic and polar, at codon 1388 of the BLM protein (p.Ala1388Glu). This variant is not present in population databases (gnomAD no frequency). This variant has not been reported in the literature in individuals affected with BLM-related conditions. An algorithm developed to predict the effect of missense changes on protein structure and function (PolyPhen-2) suggests that this variant is likely to be tolerated. In summary, the available evidence is currently insufficient to determine the role of this variant in disease. Therefore, it has been classified as a Variant of Uncertain Significance.

NM_000057.4(BLM):c.4163C>A (p.Ala1388Glu)

Gene: BLM (BLM RecQ like helicase; plus strand). Cytogenetic location: 15q26.1.
Variant type: single nucleotide variant.
Coding change: c.4163C>A on transcript NM_000057.4 (MANE Select); coding-DNA position 4163, C replaced by A.
Protein change: p.Ala1388Glu; replaces alanine 1388 with glutamic acid.
Molecular consequence: missense variant.
Genome position (GRCh38, 1-based): chr15:90,815,188, C>A. VCF-style: chr15-90815188-C-A. GRCh37 (hg19) VCF-style: chr15-91358418-C-A.
Other names: c.4163C>A, p.Ala1388Glu (NM_001287246.2); c.3770C>A, p.Ala1257Glu (NM_001287247.2); c.3038C>A, p.Ala1013Glu (NM_001287248.2); short protein forms A1257E, A1388E, A1013E.
Identifiers: ClinVar variation 4753733 (VCV004753733.1).